The following is an entry in ClinVar:

NM_004183.4(BEST1):c.324C>G (p.Ser108Arg)

Gene: BEST1 (bestrophin 1; plus strand). Cytogenetic location: 11q12.3.
Variant type: single nucleotide variant.
Coding change: c.324C>G on transcript NM_004183.4 (MANE Select); coding-DNA position 324, C replaced by G.
Protein change: p.Ser108Arg; replaces serine 108 with arginine.
Molecular consequence: missense variant. On other transcripts: non-coding transcript variant (1).
Genome position (GRCh38, 1-based): chr11:61,955,794, C>G. VCF-style: chr11-61955794-C-G. GRCh37 (hg19) VCF-style: chr11-61723266-C-G.
Other names: c.144C>G, p.Ser48Arg (NM_001139443.3, NM_001300786.2, NM_001300787.2); c.6C>G, p.Ser2Arg (NM_001363591.3); c.324C>G, p.Ser108Arg (NM_001363592.2); c.-852C>G (NM_001363593.3); short protein forms S108R, S2R, S48R.
Identifiers: ClinVar variation 544680 (VCV000544680.4), dbSNP rs1565388478, ClinGen allele CA380834366.
Genomic context (GRCh38, chr11:61,955,794, plus strand): 5'-GGTCGTGACCCGCTGGTGGAACCAGTACGAGAACCTGCCGTGGCCCGACCGCCTCATGAG[C>G]CTGGTGTCGGGCTTCGTCGAAGGCAAGGACGAGCAAGGCCGGCTGCTGCGGCGCACGCTC-3'
Protein context (NP_004174.1, residues 98-118): ENLPWPDRLM[Ser108Arg]LVSGFVEGKD

ClinVar aggregate classification (germline): Uncertain significance. Review status: criteria provided, multiple submitters, no conflicts (2 of 4 stars). 3 submissions from 3 submitters: Uncertain significance (2). 1 of the submissions does not count toward it. Last evaluated 2018-05-07.

Conditions:
Retinal dystrophy. Also called: Inherited retinal dystrophy. Identifiers: Orphanet 71862, MedGen C0854723, MeSH D058499, MONDO:0019118, HP:0000556.
Vitelliform macular dystrophy 2. Also called: Best Macular Dystrophy; MACULAR DEGENERATION, POLYMORPHIC VITELLINE; VITELLIFORM MACULAR DYSTROPHY, EARLY-ONSET; VITELLIFORM MACULAR DYSTROPHY, JUVENILE-ONSET; Best Vitelliform Macular Dystrophy (BVMD); Best vitelliform macular dystrophy, multifocal. Identifiers: Orphanet 1243, MedGen C2745945, MONDO:0007931, OMIM 153700.

Submissions (3):

MAGI'S LAB - Medical Genetics Laboratory, MAGI GROUP
Classification: Uncertain significance for Vitelliform macular dystrophy 2. Last evaluated: 2018-05-07. Review status: criteria provided, single submitter. Criteria: ACMG Guidelines, 2015. Collection method: clinical testing. Allele origin: unknown. Inheritance: Autosomal dominant inheritance. Affected: yes. Observed: 1 variant allele, 1 heterozygote.
Comment: Application of ACMG guidelines: PM2, absent from controls (or at extremely low frequency if recessive) in Exome Sequencing Project, 1000 Genomes Project, or Exome Aggregation Consortium; BP4, multiple lines of computational evidence suggest no impact or gene or gene product (conservation, evolutionary, splicing impact, etc.). The variation has been classified as variant of uncertain significance.

Institute of Human Genetics, Univ. Regensburg, Univ. Regensburg
Classification: Uncertain significance for Retinal dystrophy. Last evaluated: 2011-01-01. Review status: criteria provided, single submitter. Criteria: ACMG Guidelines, 2015. Collection method: clinical testing. Allele origin: germline. Affected: yes.

Sharon lab, Hadassah-Hebrew University Medical Center
Classification: Pathogenic for Best disease. Last evaluated: 2019-06-23. Review status: no assertion criteria provided. Collection method: research. Allele origin: inherited. Affected: yes. Not counted in ClinVar's aggregate classification.

Literature cited by the submitters: PubMed 31570112 (cited by Institute of Human Genetics, Univ. Regensburg, Univ. Regensburg); PubMed 3145629 (cited by Institute of Human Genetics, Univ. Regensburg, Univ. Regensburg).